The following is an entry in ClinVar:

NM_130384.3(ATRIP):c.1849G>A (p.Asp617Asn)

Genes: ATRIP (ATR interacting protein; plus strand), ATRIP-TREX1 (ATRIP-TREX1 readthrough; plus strand). Cytogenetic location: 3p21.31.
Variant type: single nucleotide variant.
Coding change: c.1849G>A on transcript NM_130384.3 (MANE Select); coding-DNA position 1849, G replaced by A.
Protein change: p.Asp617Asn; replaces aspartic acid 617 with asparagine.
Molecular consequence: missense variant. On other transcripts: non-coding transcript variant (1).
Genome position (GRCh38, 1-based): chr3:48,463,848, G>A. VCF-style: chr3-48463848-G-A. GRCh37 (hg19) VCF-style: chr3-48505247-G-A.
Other names: c.1468G>A, p.Asp490Asn (NM_001271022.2); c.1570G>A, p.Asp524Asn (NM_001271023.2); c.1849G>A, p.Asp617Asn (NM_032166.4); short protein forms D490N, D524N, D617N.
Identifiers: ClinVar variation 1931434 (VCV001931434.8), dbSNP rs753379671, ClinGen allele CA2376293.

ClinVar aggregate classification (germline): Uncertain significance. Review status: criteria provided, multiple submitters, no conflicts (2 of 4 stars). 2 submissions from 2 submitters: Uncertain significance (2). Last evaluated 2025-08-06.

Allele frequency attached by ClinVar (database versions not stated): TOPMed below 0.00001; ExAC 0.00001; gnomAD 0.00001.

Submissions (2):

Ambry Genetics
Classification: Uncertain significance. Last evaluated: 2025-08-06. Review status: criteria provided, single submitter. Criteria: Ambry Variant Classification Scheme 2023. Collection method: clinical testing. Allele origin: germline.

Labcorp Genetics (formerly Invitae), Labcorp
Classification: Uncertain significance. Last evaluated: 2022-11-01. Review status: criteria provided, single submitter. Criteria: Invitae Variant Classification Sherloc (09022015). Collection method: clinical testing. Allele origin: germline.
Comment: This variant has not been reported in the literature in individuals affected with ATRIP-related conditions. In summary, the available evidence is currently insufficient to determine the role of this variant in disease. Therefore, it has been classified as a Variant of Uncertain Significance. Algorithms developed to predict the effect of missense changes on protein structure and function output the following: SIFT: "Tolerated"; PolyPhen-2: "Benign"; Align-GVGD: "Class C0". The asparagine amino acid residue is found in multiple mammalian species, which suggests that this missense change does not adversely affect protein function. This variant is present in population databases (rs753379671, gnomAD 0.007%). This sequence change replaces aspartic acid, which is acidic and polar, with asparagine, which is neutral and polar, at codon 617 of the ATRIP protein (p.Asp617Asn).